The following is an entry in ClinVar:

NM_001267550.2(TTN):c.64093A>G (p.Ser21365Gly)

Genes: TTN (titin; minus strand), TTN-AS1 (TTN antisense RNA 1; plus strand). Cytogenetic location: 2q31.2.
Variant type: single nucleotide variant.
Coding change: c.64093A>G on transcript NM_001267550.2 (MANE Select); coding-DNA position 64093, A replaced by G.
Protein change: p.Ser21365Gly; replaces serine 21365 with glycine.
Molecular consequence: missense variant.
Genome position (GRCh38, 1-based): chr2:178,587,118, T>C on the plus strand (A>G on the coding strand, the complement: TTN is on the minus strand). VCF-style: chr2-178587118-T-C. GRCh37 (hg19) VCF-style: chr2-179451845-T-C.
Other names: c.59170A>G, p.Ser19724Gly (NM_001256850.1); c.36898A>G, p.Ser12300Gly (NM_003319.4); c.56389A>G, p.Ser18797Gly (NM_133378.4); c.37273A>G, p.Ser12425Gly (NM_133432.3); c.37474A>G, p.Ser12492Gly (NM_133437.4); short protein forms S12300G, S12425G, S12492G, S18797G, S19724G, S21365G.
Identifiers: ClinVar variation 3767640 (VCV003767640.1).

ClinVar aggregate classification (germline): Uncertain significance (1 of 4 stars; one submission).

gnomAD v4.1: 2 of 1,613,216 alleles (0.00012%); highest among the groups gnomAD compares: Non-Finnish European, 0.000085%; no homozygotes.

Submission:

GeneDx
Classification: Uncertain significance. Last evaluated: 2024-09-04. Review status: criteria provided, single submitter. Criteria: GeneDx Variant Classification Process June 2021. Collection method: clinical testing. Allele origin: germline. Affected: yes.
Comment: Not observed at significant frequency in large population cohorts (gnomAD); Missense variant in a gene in which most reported pathogenic variants are truncating/loss of function; Has not been previously published as pathogenic or benign to our knowledge